The following is an entry in ClinVar:

NM_000065.5(C6):c.2426A>G (p.Asp809Gly)

Gene: C6 (complement C6; minus strand). Cytogenetic location: 5p13.1.
Variant type: single nucleotide variant.
Coding change: c.2426A>G on transcript NM_000065.5 (MANE Select); coding-DNA position 2426, A replaced by G.
Protein change: p.Asp809Gly; replaces aspartic acid 809 with glycine.
Molecular consequence: missense variant.
Genome position (GRCh38, 1-based): chr5:41,149,438, T>C on the plus strand (A>G on the coding strand, the complement: C6 is on the minus strand). VCF-style: chr5-41149438-T-C. GRCh37 (hg19) VCF-style: chr5-41149540-T-C.
Other names: c.2426A>G, p.Asp809Gly (NM_001115131.4); short protein forms D809G.
Identifiers: ClinVar variation 3008037 (VCV003008037.3), dbSNP rs752930642, ClinGen allele CA3252117.

ClinVar aggregate classification (germline): Uncertain significance (1 of 4 stars; one submission).

Allele frequency attached by ClinVar (database versions not stated): ExAC 0.00001.
gnomAD v4.1: 6 of 1,613,952 alleles (0.00037%); highest among the groups gnomAD compares: South Asian, 0.0044%; no homozygotes.

Submission:

Labcorp Genetics (formerly Invitae), Labcorp
Classification: Uncertain significance. Last evaluated: 2023-11-28. Review status: criteria provided, single submitter. Criteria: Invitae Variant Classification Sherloc (09022015). Collection method: clinical testing. Allele origin: germline.
Comment: This sequence change replaces aspartic acid, which is acidic and polar, with glycine, which is neutral and non-polar, at codon 809 of the C6 protein (p.Asp809Gly). This variant is present in population databases (rs752930642, gnomAD 0.006%). This variant has not been reported in the literature in individuals affected with C6-related conditions. An algorithm developed to predict the effect of missense changes on protein structure and function (PolyPhen-2) suggests that this variant is likely to be tolerated. In summary, the available evidence is currently insufficient to determine the role of this variant in disease. Therefore, it has been classified as a Variant of Uncertain Significance.